The following is an entry in ClinVar:

NM_001723.7(DST):c.4591A>G (p.Lys1531Glu)

Gene: DST (dystonin; minus strand). Cytogenetic location: 6p12.1.
Variant type: single nucleotide variant.
Coding change: c.4591A>G on transcript NM_001723.7 (MANE Plus Clinical); coding-DNA position 4591, A replaced by G.
Protein change: p.Lys1531Glu; replaces lysine 1531 with glutamic acid.
Molecular consequence: missense variant. On other transcripts: intron variant (10).
Genome position (GRCh38, 1-based): chr6:56,619,443, T>C on the plus strand (A>G on the coding strand, the complement: DST is on the minus strand). VCF-style: chr6-56619443-T-C. GRCh37 (hg19) VCF-style: chr6-56484241-T-C.
Other names: c.4831-4959A>G (NM_001144769.5); c.4930-4959A>G (NM_001374722.1, NM_001374736.1); c.4957-4959A>G (NM_001374734.1); c.4417-4959A>G (NM_001144770.2); c.4297-4959A>G (NM_001374730.1, NM_001386100.1, NM_183380.4 and 1 more transcripts); c.3319-4959A>G (NM_015548.5); short protein forms K1531E.
Identifiers: ClinVar variation 656496 (VCV000656496.5), dbSNP rs1053316518, ClinGen allele CA364569331.
Genomic context (GRCh38, chr6:56,619,443, plus strand): 5'-TTTCTTTTTCAGCTTTGATATTTTGAAGCAACTGCTCATGGCTTTTCTCAAATTGTTCTT[T>C]TAGATGATCTGATTTTCTCTGGCAGATTTGTAGTCTTTCTAATTCTTTCTCATCTCGAAA-3'
Protein context (NP_001714.1, residues 1521-1541): QICQRKSDHL[Lys1531Glu]EQFEKSHEQL

ClinVar aggregate classification (germline): Uncertain significance (1 of 4 stars; one submission).

Conditions:
Hereditary sensory and autonomic neuropathy type 6. Also called: HSAN VI; Neuropathy, hereditary sensory and autonomic, type VI. Identifiers: Orphanet 314381, MedGen C3539003, MONDO:0013839, OMIM 614653.
Epidermolysis bullosa simplex 3, localized or generalized intermediate, with BP230 deficiency (EBS3). Also called: Epidermolysis bullosa simplex due to BP230 deficiency; Epidermolysis bullosa simplex, autosomal recessive 2. Identifiers: Orphanet 412181, MedGen C3809470, MONDO:0014180, OMIM 615425.

gnomAD v4.1: 2 of 1,612,332 alleles (0.00012%); highest among the groups gnomAD compares: Admixed American, 0.0017%; no homozygotes.

Submission:

Labcorp Genetics (formerly Invitae), Labcorp
Classification: Uncertain significance for Epidermolysis bullosa simplex 3, localized or generalized intermediate, with BP230 deficiency; Hereditary sensory and autonomic neuropathy type 6. Last evaluated: 2025-08-01. Review status: criteria provided, single submitter. Criteria: Invitae Variant Classification Sherloc (09022015). Collection method: clinical testing. Allele origin: germline.
Comment: This sequence change replaces lysine, which is basic and polar, with glutamic acid, which is acidic and polar, at codon 1531 of the DST protein (p.Lys1531Glu). This variant is not present in population databases (gnomAD no frequency). This variant has not been reported in the literature in individuals affected with DST-related conditions. ClinVar contains an entry for this variant (Variation ID: 656496). An algorithm developed to predict the effect of missense changes on protein structure and function (PolyPhen-2) suggests that this variant is likely to be tolerated. In summary, the available evidence is currently insufficient to determine the role of this variant in disease. Therefore, it has been classified as a Variant of Uncertain Significance.